The following is an entry in ClinVar:

ClinVar aggregate classification (germline): Likely benign. Review status: criteria provided, multiple submitters, no conflicts (2 of 4 stars). 3 submissions from 3 submitters: Likely benign (3). Last evaluated 2026-01-19.

Conditions:
Periodic fever-infantile enterocolitis-autoinflammatory syndrome. Also called: Autoinflammation with infantile enterocolitis. Identifiers: Orphanet 436166, MedGen C4015067, MONDO:0014472, OMIM 616050.
Familial cold autoinflammatory syndrome 4 (FCAS4). Identifiers: Orphanet 47045, Orphanet 576349, MedGen C4015276, MONDO:0014498, OMIM 616115.

Allele frequency attached by ClinVar (database versions not stated): gnomAD exomes 0.00001 and 0.00005; gnomAD 0.00002; TOPMed 0.00005; ExAC 0.00006.
gnomAD v4.1: 29 of 1,613,618 alleles (0.0018%); highest among the groups gnomAD compares: East Asian, 0.02%; no homozygotes.

Submissions (3):

Labcorp Genetics (formerly Invitae), Labcorp
Classification: Likely benign for Periodic fever-infantile enterocolitis-autoinflammatory syndrome; Familial cold autoinflammatory syndrome 4. Last evaluated: 2026-01-19. Review status: criteria provided, single submitter. Criteria: Invitae Variant Classification Sherloc (09022015). Collection method: clinical testing. Allele origin: germline.

CeGaT Center for Human Genetics Tuebingen
Classification: Likely benign. Last evaluated: 2025-05-01. Review status: criteria provided, single submitter. Criteria: CeGaT Center For Human Genetics Tuebingen Variant Classification Criteria Version 2. Collection method: clinical testing. Allele origin: germline. Affected: yes. Observed: 1 variant allele.
Comment: NLRC4: BP4, BP7

Blueprint Genetics
Classification: Likely benign. Last evaluated: 2024-09-23. Review status: criteria provided, single submitter. Criteria: ACMG Guidelines, 2015. Collection method: clinical testing. Allele origin: germline.

NM_001199138.2(NLRC4):c.2487C>T (p.Ser829=)

Gene: NLRC4 (NLR family CARD domain containing 4; minus strand). Cytogenetic location: 2p22.3.
Variant type: single nucleotide variant.
Coding change: c.2487C>T on transcript NM_001199138.2 (MANE Select); coding-DNA position 2487, C replaced by T.
Protein change: p.Ser829=; no amino-acid change (serine 829 retained).
Molecular consequence: synonymous variant.
Genome position (GRCh38, 1-based): chr2:32,238,166, G>A on the plus strand (C>T on the coding strand, the complement: NLRC4 is on the minus strand). VCF-style: chr2-32238166-G-A. GRCh37 (hg19) VCF-style: chr2-32463235-G-A.
Other names: c.2487C>T, p.Ser829= (NM_001199139.2, NM_021209.5); c.492C>T, p.Ser164= (NM_001302504.2).
Identifiers: ClinVar variation 743480 (VCV000743480.20), dbSNP rs367982825, ClinGen allele CA1601787.
Genomic context (GRCh38, chr2:32,238,166, plus strand): 5'-ATTCAGTTAATGGAAGCAACAGTTACCTAGGATTTTCACTGCATTTGCAGACAAGCAGCA[G>A]GAGACTAATTGAATTTCTTCAAGGTCACAGGGTTCACTTGACAGAGACTTGACTATGTAA-3'
Protein context (NP_001186067.1, residues 819-839): PCDLEEIQLV[Ser829=]CCLSANAVKI